The following is an entry in ClinVar:

NM_024675.4(PALB2):c.1168dup (p.Ser390fs)

Gene: PALB2 (partner and localizer of BRCA2; minus strand). Cytogenetic location: 16p12.2.
Variant type: Duplication.
Coding change: c.1168dup on transcript NM_024675.4 (MANE Select); coding-DNA position 1168, one base duplicated (T; older notation c.1168dupT).
Protein change: p.Ser390fs; shifts the reading frame from serine 390.
Molecular consequence: frameshift variant.
Genome position (GRCh38, 1-based): chr16:23,635,378, A duplicated on the plus strand (T on the coding strand, the reverse complement: PALB2 is on the minus strand); the first of 3 consecutive A bases (chr16:23,635,378-23,635,380); duplicating any one gives the same sequence. VCF-style (leftmost placement, unchanged base first): chr16-23635377-G-GA. GRCh37 (hg19) VCF-style: chr16-23646698-G-GA.
Other names: c.1168dupT (NM_024675.3); short protein forms S390fs.
Identifiers: ClinVar variation 960195 (VCV000960195.10), dbSNP rs1966988658, ClinGen allele CA1139664620.
Genomic context (GRCh38, chr16:23,635,377, plus strand): 5'-ACATAATATTCTGCAGGAAACAGAAGGCCTTCAGGCACTGTGCAAGAATGTTTTTCTGCA[G>GA]AAAGAGGAGAGGTTGCTTCCAGGCTAAGACTCTTAGGTTGACTTAGAATCTCACTTTCCT-3'

ClinVar aggregate classification (germline): Pathogenic. Review status: criteria provided, multiple submitters, no conflicts (2 of 4 stars). 3 submissions from 3 submitters: Pathogenic (3). Last evaluated 2025-03-13.

Conditions:
Hereditary cancer-predisposing syndrome. Also called: Tumor predisposition; Hereditary neoplastic syndrome; Neoplastic Syndromes, Hereditary; Hereditary Cancer Syndrome. Identifiers: Orphanet 140162, MedGen C0027672, MeSH D009386, MONDO:0015356.
Familial cancer of breast. Also called: BREAST CANCER, FAMILIAL; Hereditary breast cancer; hereditary breast carcinoma. Identifiers: Orphanet 227535, MedGen C0346153, MONDO:0016419, OMIM 114480. Disease mechanism: loss of function.

Submissions (3):

Ambry Genetics
Classification: Pathogenic for Hereditary cancer-predisposing syndrome. Last evaluated: 2025-03-13. Review status: criteria provided, single submitter. Criteria: Ambry Variant Classification Scheme 2023. Collection method: clinical testing. Allele origin: germline.
Comment: The c.1168dupT pathogenic mutation, located in coding exon 4 of the PALB2 gene, results from a duplication of T at nucleotide position 1168, causing a translational frameshift with a predicted alternate stop codon (p.S390Ffs*11). This variant is considered to be rare based on population cohorts in the Genome Aggregation Database (gnomAD). In addition to the clinical data presented in the literature, this alteration is expected to result in loss of function by premature protein truncation or nonsense-mediated mRNA decay. As such, this alteration is interpreted as a disease-causing mutation.

Clinical Genetics Laboratory, Skane University Hospital Lund
Classification: Pathogenic. Last evaluated: 2023-05-08. Review status: criteria provided, single submitter. Criteria: ACMG Guidelines, 2015. Collection method: clinical testing. Allele origin: germline. Affected: yes.

Labcorp Genetics (formerly Invitae), Labcorp
Classification: Pathogenic for Familial cancer of breast. Last evaluated: 2021-08-26. Review status: criteria provided, single submitter. Criteria: Invitae Variant Classification Sherloc (09022015). Collection method: clinical testing. Allele origin: germline.

Literature cited by the submitters: PubMed 26757417 (cited by Ambry Genetics).